The following is an entry in ClinVar:

NM_025144.4(ALPK1):c.710C>T (p.Thr237Met)

Gene: ALPK1 (alpha kinase 1; plus strand). Cytogenetic location: 4q25.
Variant type: single nucleotide variant.
Coding change: c.710C>T on transcript NM_025144.4 (MANE Select); coding-DNA position 710, C replaced by T.
Protein change: p.Thr237Met; replaces threonine 237 with methionine.
Molecular consequence: missense variant.
Genome position (GRCh38, 1-based): chr4:112,427,580, C>T. VCF-style: chr4-112427580-C-T. GRCh37 (hg19) VCF-style: chr4-113348736-C-T.
Other names: c.710C>T, p.Thr237Met (NM_001102406.2); c.476C>T, p.Thr159Met (NM_001253884.2); c.710C>T (NM_001102406.1); short protein forms T237M, T159M.
Identifiers: ClinVar variation 619031 (VCV000619031.54), dbSNP rs1052954321, ClinGen allele CA103758672.
Genomic context (GRCh38, chr4:112,427,580, plus strand): 5'-TAATCCACTGTGAATTCCCGATCTGTGACTTCTTTGTGTTTTTCTTACAGGGCCTCTCCA[C>T]GTCGCTAGGTATACTGGCAGACATCTTTGTTTCCATGAGCAAGAACGATTATGAAAAGTT-3'
Protein context (NP_079420.3, residues 227-247): LPQPDKKGLS[Thr237Met]SLGILADIFV

ClinVar aggregate classification (germline): Pathogenic. Review status: criteria provided, multiple submitters, no conflicts (2 of 4 stars). 10 submissions from 10 submitters: Pathogenic (7). 3 of the submissions do not count toward it. Last evaluated 2026-03-13.

Conditions:
ALPK1-related disorder. Also called: ALPK1-related condition.
Retinal dystrophy, optic nerve edema, splenomegaly, anhidrosis, and migraine headache syndrome. Also called: Optic nerve edema-splenomegaly syndrome; Splenomegaly, cytopenia, and vision loss; ROSAH syndrome; ALPK1-Related Autoinflammatory Disease. Identifiers: Orphanet 313800, MedGen C4749914, MONDO:0013999, OMIM 614979.
Inborn genetic diseases. Identifiers: MedGen C0950123, MeSH D030342.

Allele frequency attached by ClinVar (database versions not stated): gnomAD exomes below 0.00001.
gnomAD v4.1: 1 of 1,613,644 alleles (0.000062%); no homozygotes.

Submissions (10):

Dasa
Classification: Pathogenic. Last evaluated: 2026-03-13. Review status: criteria provided, single submitter. Criteria: DASA Assertion Criteria. Collection method: clinical testing. Allele origin: germline.
Comment: NM_025144.4(ALPK1):c.710C>T (p.Thr237Met) introduces a threonine to methionine substitution in the ALPK1 protein. Functional studies demonstrate a deleterious effect consistent with the disease mechanism (PMID: 30967659). The variant has been recurrently observed in individuals with ALPK1-related ROSAH syndrome, including reports of segregation in affected families and de novo occurrence (PMID: 30967659; 31053777; 35868845; 31939038). Additionally, it is present at low frequency in population datasets. Based on the available data, this variant is classified as pathogenic.

Labcorp Genetics (formerly Invitae), Labcorp
Classification: Pathogenic. Last evaluated: 2025-07-09. Review status: criteria provided, single submitter. Criteria: Invitae Variant Classification Sherloc (09022015). Collection method: clinical testing. Allele origin: germline.
Comment: This sequence change replaces threonine, which is neutral and polar, with methionine, which is neutral and non-polar, at codon 237 of the ALPK1 protein (p.Thr237Met). This variant is not present in population databases (gnomAD no frequency). This missense change has been observed in individual(s) with ROSAH syndrome (PMID: 30967659, 31053777). In at least one individual the variant was observed to be de novo. It has also been observed to segregate with disease in related individuals. ClinVar contains an entry for this variant (Variation ID: 619031). Invitae Evidence Modeling of protein sequence and biophysical properties (such as structural, functional, and spatial information, amino acid conservation, physicochemical variation, residue mobility, and thermodynamic stability) indicates that this missense variant is not expected to disrupt ALPK1 protein function with a negative predictive value of 80%. Experimental studies have shown that this missense change affects ALPK1 function (PMID: 30967659). For these reasons, this variant has been classified as Pathogenic.

Ambry Genetics
Classification: Pathogenic for Inborn genetic diseases. Last evaluated: 2024-04-11. Review status: criteria provided, single submitter. Criteria: Ambry Variant Classification Scheme 2023. Collection method: clinical testing. Allele origin: germline.
Comment: The c.710C>T (p.T237M) alteration is located in exon 9 (coding exon 7) of the ALPK1 gene. This alteration results from a C to T substitution at nucleotide position 710, causing the threonine (T) at amino acid position 237 to be replaced by a methionine (M). This variant was not reported in population-based cohorts in the Genome Aggregation Database (gnomAD). This variant has been observed de novo in multiple individuals and to segregate with disease in multiple families with clinical features consistent with ALPK1-associated ROSAH syndrome (Williams, 2019). This amino acid position is well conserved in available vertebrate species. This alteration is predicted to be tolerated by in silico analysis. Based on the available evidence, this alteration is classified as pathogenic.

Victorian Clinical Genetics Services, Murdoch Childrens Research Institute
Classification: Pathogenic for Retinal dystrophy, optic nerve edema, splenomegaly, anhidrosis, and migraine headache syndrome. Last evaluated: 2023-07-16. Review status: criteria provided, single submitter. Criteria: ACMG Guidelines, 2015. Collection method: clinical testing. Allele origin: germline. Inheritance: Autosomal dominant inheritance. Affected: yes.
Comment: Based on the classification scheme VCGS_Germline_v1.3.4, this variant is classified as Pathogenic. Following criteria are met: 0101 - Gain of function is a known mechanism of disease in this gene and is associated with ROSAH syndrome (MIM#614979) (PMIDs: 30967659, 35868845). (I) 0107 - This gene is associated with autosomal dominant disease. (I) 0115 - This variant is known to have variable expressivity even within families (PMIDs: 30967659, 31939038, 35868845). (I) 0200 - Variant is predicted to result in a missense amino acid change from threonine to methionine. (I) 0251 - This variant is heterozygous. (I) 0301 - Variant is absent from gnomAD (both v2 and v3). (SP) 0600 - Variant is located in the annotated ligand binding domain (PMID: 35868845). (I) 0801 - This variant has strong previous evidence of pathogenicity in unrelated individuals. It is a recurrent variant in this gene and it has been reported in multiple families of various ethnicities with ROSAH syndrome (ClinVar, PMIDs: 30967659, 31053777, 31939038). (SP) 0901 - This variant has strong evidence for segregation with disease in five unrelated families (PMID: 30967659). (SP) 1002 - This variant has moderate functional evidence supporting abnormal protein function. Overexpression of mutant protein in HeLa cells showed increased multinucleated cells. In addition, there was decreased number of ciliated cells in fibroblasts and a significant decrease in assembly of primary cilia in the affected patients carrying this variant compared with control (PMID: 30967659). (SP) 1208 - Inheritance information for this variant is not currently available in this individual. (I) Legend: (SP) - Supporting pathogenic, (I) - Information, (SB) - Supporting benign

CeGaT Center for Human Genetics Tuebingen
Classification: Pathogenic. Last evaluated: 2021-10-01. Review status: criteria provided, single submitter. Criteria: CeGaT Center For Human Genetics Tuebingen Variant Classification Criteria Version 2. Collection method: clinical testing. Allele origin: germline. Affected: yes. Observed: 1 variant allele.

Blueprint Genetics
Classification: Pathogenic for ALPK1-related disorders. Last evaluated: 2021-08-01. Review status: criteria provided, single submitter. Criteria: ACMG Guidelines, 2015. Collection method: clinical testing. Allele origin: germline. Affected: yes. Observed: 2 variant alleles.

Undiagnosed Diseases Network, NIH
Classification: Pathogenic for ROSAH syndrome. Last evaluated: 2019-11-07. Review status: criteria provided, single submitter. Criteria: ACMG Guidelines, 2015. Collection method: clinical testing. Allele origin: paternal. Inheritance: Autosomal dominant inheritance. Affected: yes. Observed: 3 variant alleles, 3 heterozygotes. Clinical features observed: Papilledema, Posterior uveitis, Blind-spot enlargment, Low-set ears, Protruding ear, Dry skin, Diastasis recti, Pes cavus, Generalized muscle weakness, Hyperextensibility at elbow, Long palm, Increased arm span, and 4 more.
Comment: The variant detected in this family has been reported in the literature in six other families with the same condition (PMID: 30967659, PMID: 31053777).

PreventionGenetics, part of Exact Sciences
Classification: Pathogenic for ALPK1-related condition. Last evaluated: 2024-02-11. Review status: no assertion criteria provided. Collection method: clinical testing. Allele origin: germline. Not counted in ClinVar's aggregate classification.
Comment: The ALPK1 c.710C>T variant is predicted to result in the amino acid substitution p.Thr237Met. This variant has been reported in multiple unrelated families with ROSAH syndrome (see for example - Fardeau et al. 2022. PubMed ID: 36543582; Kozycki et al. 2022. PubMed ID: 35868845). Functional studies found this variant impacts protein function (Kozycki et al. 2022. PubMed ID: 35868845). This variant has not been reported in a large population database, indicating this variant is rare. In ClinVar, this variant is interpreted as likely pathogenic/pathogenic. This variant is interpreted as pathogenic.

OMIM
Classification: Pathogenic for RETINAL DYSTROPHY, OPTIC NERVE EDEMA, SPLENOMEGALY, ANHIDROSIS, AND MIGRAINE HEADACHE SYNDROME. Last evaluated: 2023-09-01. Review status: no assertion criteria provided. Collection method: literature only. Allele origin: germline. Not counted in ClinVar's aggregate classification.

Children's Medical Research Institute, University of Sydney
Classification: Likely pathogenic for ROSAH syndrome. Last evaluated: 2019-01-17. Review status: no assertion criteria provided. Collection method: research. Allele origin: germline. Inheritance: Autosomal dominant inheritance. Affected: yes. Observed: 6 variant alleles, 6 heterozygotes. Clinical features observed: Retinal dystrophy (HP:0000556), optic nerve edema, Splenomegaly (HP:0001744), Anhidrosis (HP:0000970), Migraine (HP:0002076). Not counted in ClinVar's aggregate classification.
Comment: The heterozygous Thr237Met variant in ALPK1 has been found in a three generation Australian family, segregates with disease and studies of primary cilium function indicate functional abnormality. Affected individuals have retinal dystrophy, optic nerve edema, splenomegaly, anhidrosis and migraine headache which is called ROSAH syndrome.

Literature cited by the submitters: PubMed 30967659 (cited by 6 submitters); PubMed 31053777 (cited by 3 submitters); PubMed 35868845 (cited by 3 submitters); PubMed 31939038 (cited by 3 submitters).